The following is an entry in ClinVar:

ClinVar aggregate classification (germline): Benign. Review status: criteria provided, multiple submitters, no conflicts (2 of 4 stars). 3 submissions from 3 submitters: Benign (2). 1 of the submissions does not count toward it. Last evaluated 2018-11-09.

Conditions:
SLC18A2-related disorder. Also called: SLC18A2-related condition.

Allele frequency attached by ClinVar (database versions not stated): gnomAD exomes 0.00041 and 0.00114; ExAC 0.00148; gnomAD 0.00423 and 0.00452; TOPMed 0.00457; 1000 Genomes Project 30x 0.00468; 1000 Genomes Project 0.00539.
gnomAD v4.1: 1,264 of 1,614,170 alleles (0.078%); highest among the groups gnomAD compares: African/African-American, 1.5%; 6 homozygotes.

Submissions (3):

Labcorp Genetics (formerly Invitae), Labcorp
Classification: Benign. Last evaluated: 2018-11-09. Review status: criteria provided, single submitter. Criteria: Invitae Variant Classification Sherloc (09022015). Collection method: clinical testing. Allele origin: germline.

Breakthrough Genomics
Classification: Benign. Review status: criteria provided, single submitter. Criteria: ACMG Guidelines, 2015. Collection method: not provided. Allele origin: germline. Inheritance: Autosomal recessive inheritance. Affected: yes.

PreventionGenetics, part of Exact Sciences
Classification: Benign for SLC18A2-related condition. Last evaluated: 2019-02-28. Review status: no assertion criteria provided. Collection method: clinical testing. Allele origin: germline. Not counted in ClinVar's aggregate classification.
Comment: This variant is classified as benign based on ACMG/AMP sequence variant interpretation guidelines (Richards et al. 2015 PMID: 25741868, with internal and published modifications).

NM_003054.6(SLC18A2):c.203C>T (p.Thr68Ile)

Gene: SLC18A2 (solute carrier family 18 member A2; plus strand). Cytogenetic location: 10q25.3.
Variant type: single nucleotide variant.
Coding change: c.203C>T on transcript NM_003054.6 (MANE Select); coding-DNA position 203, C replaced by T.
Protein change: p.Thr68Ile; replaces threonine 68 with isoleucine.
Molecular consequence: missense variant.
Genome position (GRCh38, 1-based): chr10:117,244,052, C>T. VCF-style: chr10-117244052-C-T. GRCh37 (hg19) VCF-style: chr10-119003563-C-T.
Other names: short protein forms T68I.
Identifiers: ClinVar variation 717979 (VCV000717979.6), dbSNP rs137920074, ClinGen allele CA5710219.